The following is an entry in ClinVar:

ClinVar aggregate classification (germline): Uncertain significance (1 of 4 stars; one submission).

gnomAD v4.1: 2 of 1,611,694 alleles (0.00012%); highest among the groups gnomAD compares: South Asian, 0.0022%; no homozygotes.

Submission:

Labcorp Genetics (formerly Invitae), Labcorp
Classification: Uncertain significance. Last evaluated: 2025-09-29. Review status: criteria provided, single submitter. Criteria: Invitae Variant Classification Sherloc (09022015). Collection method: clinical testing. Allele origin: germline.
Comment: This sequence change replaces serine, which is neutral and polar, with cysteine, which is neutral and slightly polar, at codon 412 of the CNOT1 protein (p.Ser412Cys). This variant is present in population databases (no rsID available, gnomAD 0.003%). This variant has not been reported in the literature in individuals affected with CNOT1-related conditions. An algorithm developed to predict the effect of missense changes on protein structure and function (PolyPhen-2) suggests that this variant is likely to be disruptive. In summary, the available evidence is currently insufficient to determine the role of this variant in disease. Therefore, it has been classified as a Variant of Uncertain Significance.

NM_016284.5(CNOT1):c.1235C>G (p.Ser412Cys)

Gene: CNOT1 (CCR4-NOT transcription complex subunit 1; minus strand). Cytogenetic location: 16q21.
Variant type: single nucleotide variant.
Coding change: c.1235C>G on transcript NM_016284.5 (MANE Select); coding-DNA position 1235, C replaced by G.
Protein change: p.Ser412Cys; replaces serine 412 with cysteine.
Molecular consequence: missense variant. On other transcripts: non-coding transcript variant (1).
Genome position (GRCh38, 1-based): chr16:58,580,741, G>C on the plus strand (C>G on the coding strand, the complement: CNOT1 is on the minus strand). VCF-style: chr16-58580741-G-C. GRCh37 (hg19) VCF-style: chr16-58614645-G-C.
Other names: c.1235C>G, p.Ser412Cys (NM_001265612.2, NM_206999.3); short protein forms S412C.
Identifiers: ClinVar variation 4705655 (VCV004705655.1).